The following is an entry in ClinVar:

ClinVar aggregate classification (germline): Uncertain significance (1 of 4 stars; one submission).

Conditions:
Pyruvate dehydrogenase E1-beta deficiency (PDHBD). Identifiers: Orphanet 255138, Orphanet 765, MedGen C3279841, MONDO:0013580, OMIM 614111.

Allele frequency attached by ClinVar (database versions not stated): TOPMed below 0.00001; ExAC 0.00001.
gnomAD v4.1: 6 of 1,612,654 alleles (0.00037%); highest among the groups gnomAD compares: East Asian, 0.0022%; no homozygotes.

Submission:

Labcorp Genetics (formerly Invitae), Labcorp
Classification: Uncertain significance for Pyruvate dehydrogenase E1-beta deficiency. Last evaluated: 2022-09-14. Review status: criteria provided, single submitter. Criteria: Invitae Variant Classification Sherloc (09022015). Collection method: clinical testing. Allele origin: germline.
Comment: This sequence change replaces arginine, which is basic and polar, with histidine, which is basic and polar, at codon 269 of the PDHB protein (p.Arg269His). This variant is present in population databases (rs769187141, gnomAD 0.002%). This variant has not been reported in the literature in individuals affected with PDHB-related conditions. Advanced modeling of protein sequence and biophysical properties (such as structural, functional, and spatial information, amino acid conservation, physicochemical variation, residue mobility, and thermodynamic stability) performed at Invitae indicates that this missense variant is expected to disrupt PDHB protein function. In summary, the available evidence is currently insufficient to determine the role of this variant in disease. Therefore, it has been classified as a Variant of Uncertain Significance.

NM_000925.4(PDHB):c.806G>A (p.Arg269His)

Gene: PDHB (pyruvate dehydrogenase E1 subunit beta; minus strand). Cytogenetic location: 3p14.3.
Variant type: single nucleotide variant.
Coding change: c.806G>A on transcript NM_000925.4 (MANE Select); coding-DNA position 806, G replaced by A.
Protein change: p.Arg269His; replaces arginine 269 with histidine.
Molecular consequence: missense variant. On other transcripts: non-coding transcript variant (1).
Genome position (GRCh38, 1-based): chr3:58,428,601, C>T on the plus strand (G>A on the coding strand, the complement: PDHB is on the minus strand). VCF-style: chr3-58428601-C-T. GRCh37 (hg19) VCF-style: chr3-58414328-C-T.
Other names: c.752G>A, p.Arg251His (NM_001173468.2, NM_001315536.2); short protein forms R251H, R269H.
Identifiers: ClinVar variation 2169621 (VCV002169621.1), dbSNP rs769187141, ClinGen allele CA2471438.